The following is an entry in ClinVar:

NM_006258.4(PRKG1):c.1300G>A (p.Asp434Asn)

Gene: PRKG1 (protein kinase cGMP-dependent 1; plus strand). Cytogenetic location: 10q21.1.
Variant type: single nucleotide variant.
Coding change: c.1300G>A on transcript NM_006258.4 (MANE Select); coding-DNA position 1300, G replaced by A.
Protein change: p.Asp434Asn; replaces aspartic acid 434 with asparagine.
Molecular consequence: missense variant.
Genome position (GRCh38, 1-based): chr10:52,271,476, G>A. VCF-style: chr10-52271476-G-A. GRCh37 (hg19) VCF-style: chr10-54031236-G-A.
Other names: c.1255G>A, p.Asp419Asn (NM_001098512.3); c.91G>A, p.Asp31Asn (NM_001374781.1); short protein forms D419N, D31N, D434N.
Identifiers: ClinVar variation 1436894 (VCV001436894.8), dbSNP rs371044753, ClinGen allele CA5503804.

ClinVar aggregate classification (germline): Uncertain significance. Review status: criteria provided, multiple submitters, no conflicts (2 of 4 stars). 2 submissions from 2 submitters: Uncertain significance (2). Last evaluated 2023-10-28.

Conditions:
Aortic aneurysm, familial thoracic 8 (AAT8). Identifiers: MedGen C3809513, MONDO:0014187, OMIM 615436.
Familial thoracic aortic aneurysm and aortic dissection (TAAD). Also called: Thoracic aortic aneurysms and dissections. Identifiers: Orphanet 91387, MedGen C4707243, MONDO:0019625.

Allele frequency attached by ClinVar (database versions not stated): gnomAD exomes below 0.00001 and 0.00001; ExAC 0.00001; gnomAD 0.00001; TOPMed 0.00002; ESP Exome Variant Server 0.00008.
gnomAD v4.1: 14 of 1,612,148 alleles (0.00087%); highest among the groups gnomAD compares: Middle Eastern, 0.016%; no homozygotes.

Submissions (2):

Labcorp Genetics (formerly Invitae), Labcorp
Classification: Uncertain significance for Aortic aneurysm, familial thoracic 8. Last evaluated: 2023-10-28. Review status: criteria provided, single submitter. Criteria: Invitae Variant Classification Sherloc (09022015). Collection method: clinical testing. Allele origin: germline.
Comment: This sequence change replaces aspartic acid, which is acidic and polar, with asparagine, which is neutral and polar, at codon 434 of the PRKG1 protein (p.Asp434Asn). This variant is present in population databases (rs371044753, gnomAD 0.007%). This variant has not been reported in the literature in individuals affected with PRKG1-related conditions. ClinVar contains an entry for this variant (Variation ID: 1436894). An algorithm developed to predict the effect of missense changes on protein structure and function (PolyPhen-2) suggests that this variant¬†is likely to be tolerated. In summary, the available evidence is currently insufficient to determine the role of this variant in disease. Therefore, it has been classified as a Variant of Uncertain Significance.

Ambry Genetics
Classification: Uncertain significance for Familial thoracic aortic aneurysm and aortic dissection. Last evaluated: 2022-01-05. Review status: criteria provided, single submitter. Criteria: Ambry Variant Classification Scheme 2023. Collection method: clinical testing. Allele origin: germline.
Comment: The p.D434N variant (also known as c.1300G>A), located in coding exon 11 of the PRKG1 gene, results from a G to A substitution at nucleotide position 1300. The aspartic acid at codon 434 is replaced by asparagine, an amino acid with highly similar properties. This amino acid position is conserved. In addition, this alteration is predicted to be tolerated by in silico analysis. Since supporting evidence is limited at this time, the clinical significance of this alteration remains unclear.